The following is an entry in ClinVar:

NM_006129.5(BMP1):c.879C>T (p.Asn293=)

Gene: BMP1 (bone morphogenetic protein 1; plus strand). Cytogenetic location: 8p21.3.
Variant type: single nucleotide variant.
Coding change: c.879C>T on transcript NM_006129.5 (MANE Select); coding-DNA position 879, C replaced by T.
Protein change: p.Asn293=; no amino-acid change (asparagine 293 retained).
Molecular consequence: synonymous variant. On other transcripts: non-coding transcript variant (2).
Genome position (GRCh38, 1-based): chr8:22,179,747, C>T. VCF-style: chr8-22179747-C-T. GRCh37 (hg19) VCF-style: chr8-22037260-C-T.
Other names: c.879C>T, p.Asn293= (NM_001199.4).
Identifiers: ClinVar variation 716388 (VCV000716388.15), dbSNP rs35120584, ClinGen allele CA4664460.
Genomic context (GRCh38, chr8:22,179,747, plus strand): 5'-TTTCTCCCTCTTCTTCAGGGGCATCTTCCTGGATACCATTGTCCCCAAGTATGAGGTGAA[C>T]GGGGTGAAACCTCCCATTGGCCAAAGGACACGGCTCAGCAAGGGGGACATTGCCCAAGCC-3'
Protein context (NP_006120.1, residues 283-303): LDTIVPKYEV[Asn293=]GVKPPIGQRT

ClinVar aggregate classification (germline): Benign. Review status: criteria provided, multiple submitters, no conflicts (2 of 4 stars). 5 submissions from 5 submitters: Benign (5). Last evaluated 2026-01-31.

Conditions:
Osteogenesis imperfecta type 13. Also called: Osteogenesis imperfecta, type xiii; OI, TYPE XIII. Identifiers: Orphanet 666, MedGen C3553887, MONDO:0013924, OMIM 614856.

Allele frequency attached by ClinVar (database versions not stated): gnomAD exomes 0.00139; ExAC 0.00167; ESP Exome Variant Server 0.00454; gnomAD 0.00492 and 0.00529; 1000 Genomes Project 30x 0.00515; 1000 Genomes Project 0.00519; TOPMed 0.00527.
gnomAD v4.1: 1,512 of 1,614,026 alleles (0.094%); highest among the groups gnomAD compares: African/African-American, 1.6%; 9 homozygotes.

Submissions (5):

Labcorp Genetics (formerly Invitae), Labcorp
Classification: Benign. Last evaluated: 2026-01-31. Review status: criteria provided, single submitter. Criteria: Invitae Variant Classification Sherloc (09022015). Collection method: clinical testing. Allele origin: germline.

ARUP Laboratories, Molecular Genetics and Genomics, ARUP Laboratories
Classification: Benign for Osteogenesis imperfecta type 13. Last evaluated: 2024-06-10. Review status: criteria provided, single submitter. Criteria: ARUP Molecular Germline Variant Investigation Process 2024. Collection method: clinical testing. Allele origin: germline.

GeneDx
Classification: Benign. Last evaluated: 2019-06-07. Review status: criteria provided, single submitter. Criteria: GeneDx Variant Classification Process June 2021. Collection method: clinical testing. Allele origin: germline. Affected: yes.

Illumina Laboratory Services, Illumina
Classification: Benign for Osteogenesis imperfecta type 13. Last evaluated: 2018-01-13. Review status: criteria provided, single submitter. Criteria: ICSL Variant Classification Criteria 13 December 2019. Collection method: clinical testing. Allele origin: germline.
Comment: This variant was observed in the ICSL laboratory as part of a predisposition screen in an ostensibly healthy population. It had not been previously curated by ICSL or reported in the Human Gene Mutation Database (HGMD: prior to June 1st, 2018), and was therefore a candidate for classification through an automated scoring system. Utilizing variant allele frequency, disease prevalence and penetrance estimates, and inheritance mode, an automated score was calculated to assess if this variant is too frequent to cause the disease. Based on the score and internal cut-off values, a variant classified as benign is not then subjected to further curation. The score for this variant resulted in a classification of benign for this disease.

Breakthrough Genomics
Classification: Benign. Review status: criteria provided, single submitter. Criteria: ACMG Guidelines, 2015. Collection method: not provided. Allele origin: germline. Inheritance: Autosomal recessive inheritance. Affected: yes.